The following is an entry in ClinVar:

NM_000123.4(ERCC5):c.3081A>C (p.Lys1027Asn)

Genes: BIVM-ERCC5 (BIVM-ERCC5 readthrough; plus strand), ERCC5 (ERCC excision repair 5, endonuclease; plus strand). Cytogenetic location: 13q33.1.
Variant type: single nucleotide variant.
Coding change: c.3081A>C on transcript NM_000123.4 (MANE Select); coding-DNA position 3081, A replaced by C.
Protein change: p.Lys1027Asn; replaces lysine 1027 with asparagine.
Molecular consequence: missense variant.
Genome position (GRCh38, 1-based): chr13:102,875,423, A>C. VCF-style: chr13-102875423-A-C. GRCh37 (hg19) VCF-style: chr13-103527773-A-C.
Other names: c.4443A>C, p.Lys1481Asn (NM_001204425.2); short protein forms K1027N, K1481N.
Identifiers: ClinVar variation 1692188 (VCV001692188.1), dbSNP rs2140543102, ClinGen allele CA388674608.

ClinVar aggregate classification (germline): Uncertain significance (1 of 4 stars; one submission).

Conditions:
Hereditary cancer-predisposing syndrome. Also called: Hereditary Cancer Syndrome; Hereditary neoplastic syndrome; Neoplastic Syndromes, Hereditary; Tumor predisposition. Identifiers: Orphanet 140162, MedGen C0027672, MeSH D009386, MONDO:0015356.

Submission:

Sema4
Classification: Uncertain significance for Hereditary cancer-predisposing syndrome. Last evaluated: 2021-11-27. Review status: criteria provided, single submitter. Criteria: Sema4 Curation Guidelines. Collection method: curation. Allele origin: germline.
Comment: The ERCC5 c.3081A>C (p.K1027N) variant has not been reported in the literature to our knowledge. It was not observed in the large and broad cohorts of the Genome Aggregation Database. This variant has not been reported in ClinVar. Functional studies have not been performed, and in silico predictions of the variant's effect on protein function are inconclusive. The evidence is insufficient to meet ACMG/AMP criteria for classifying the variant as benign or pathogenic. Thus, the clinical significance of this variant is currently uncertain.